The following is an entry in ClinVar:

ClinVar aggregate classification (germline): Pathogenic/Likely pathogenic. Review status: criteria provided, multiple submitters, no conflicts (2 of 4 stars). 12 submissions from 12 submitters: Pathogenic (9); Likely pathogenic (3). Last evaluated 2025-12-01.

Conditions:
MMACHC-related disorder. Also called: MMACHC-related condition.
Cobalamin C disease. Also called: Methylmalonic aciduria and homocystinuria, Vitamin B12-responsive; Vitamin B12 metabolic defect with combined deficiency of methylmalonyl-CoA mutase and homocysteine:methyltetrahydrofolate methyltransferase; Methylmalonic aciduria with homocystinuria cblC type; Cobalamin-C methylmalonic acidemia and homocystinuria; Methylmalonic acidemia and homocystinuria cblC type; methylmalonic aciduria and homocystinuria type cblC. Identifiers: Orphanet 26, Orphanet 79282, MedGen C1848561, MONDO:0010184, OMIM 277400.

Submissions (12):

3billion
Classification: Pathogenic for Cobalamin C disease. Last evaluated: 2025-12-01. Review status: criteria provided, single submitter. Criteria: ACMG Guidelines, 2015. Collection method: clinical testing. Allele origin: germline. Affected: yes.
Comment: The variant is observed at an extremely low frequency in the gnomAD v4.1.0 dataset (total allele frequency: 0.004%). Predicted Consequence/Location: Inframe deletion located in a nonrepeat region: predicted to change the length of the protein and disrupt normal protein function. The variant has been reported to be in trans with a pathogenic variant as either compound heterozygous or homozygous in at least 2 similarly affected unrelated individuals (PMID: 33473346). The variant has been reported at least twice as pathogenic with clinical assertions and evidence for the classification (ClinVar ID: VCV000203833 /PMID: 16311595). Therefore, this variant is classified as Pathogenic according to the recommendation of ACMG/AMP guideline.

Labcorp Genetics (formerly Invitae), Labcorp
Classification: Pathogenic for Cobalamin C disease. Last evaluated: 2025-09-27. Review status: criteria provided, single submitter. Criteria: Invitae Variant Classification Sherloc (09022015). Collection method: clinical testing. Allele origin: germline.
Comment: This variant, c.388_390del, results in the deletion of 1 amino acid(s) of the MMACHC protein (p.Tyr130del), but otherwise preserves the integrity of the reading frame. This variant is present in population databases (rs771707283, gnomAD 0.004%). This variant has been observed in individual(s) with methylmalonic aciduria and homocystinuria due to cobalamin C deficiency (PMID: 16311595, 24126030; internal data). In at least one individual the data is consistent with being in trans (on the opposite chromosome) from a pathogenic variant. ClinVar contains an entry for this variant (Variation ID: 203833). For these reasons, this variant has been classified as Pathogenic.

Natera, Inc.
Classification: Pathogenic for Methylmalonic aciduria and homocystinuria cblC type. Last evaluated: 2025-08-25. Review status: criteria provided, single submitter. Criteria: Natera Variant Classification Schema (03/2026). Collection method: clinical testing. Allele origin: germline.
Comment: The c.388_390delTAC variant in MMACHC is an in-frame deletion predicted to remove tyrosine at amino acid 130 while preserving the reading frame. This variant is rare in the general population with a frequency below the threshold expected for the associated phenotype(s). This variant has been observed in one or more individuals affected with the associated recessive disease, as either homozygous or compound heterozygous with a second variant (PMID: 16311595, 33473346). Computational prediction algorithms indicate this variant is likely to affect gene or protein function. Given the available evidence, this variant is classified as Pathogenic.

Daryl Scott Lab, Baylor College of Medicine
Classification: Pathogenic for Cobalamin C disease. Last evaluated: 2023-11-10. Review status: criteria provided, single submitter. Criteria: ACMG Guidelines, 2015. Collection method: clinical testing. Allele origin: biparental. Affected: yes. Observed: 1 homozygote.

Department of Pathology and Laboratory Medicine, Sinai Health System
Classification: Pathogenic for Cobalamin C disease. Last evaluated: 2023-05-24. Review status: criteria provided, single submitter. Criteria: ACMG Guidelines, 2015. Collection method: research. Allele origin: germline.

Genome-Nilou Lab
Classification: Likely pathogenic for Cobalamin C disease. Last evaluated: 2023-04-11. Review status: criteria provided, single submitter. Criteria: ACMG Guidelines, 2015. Collection method: clinical testing. Allele origin: germline. Affected: no.

Blueprint Genetics
Classification: Pathogenic for MMACHC-related disorders. Last evaluated: 2022-11-02. Review status: criteria provided, single submitter. Criteria: ACMG Guidelines, 2015. Collection method: clinical testing. Allele origin: germline. Affected: yes. Observed: 5 variant alleles.

PreventionGenetics, part of Exact Sciences
Classification: Pathogenic for MMACHC-related condition. Last evaluated: 2022-08-18. Review status: criteria provided, single submitter. Criteria: ACMG Guidelines, 2015. Collection method: clinical testing. Allele origin: germline.
Comment: The MMACHC c.388_390delTAC variant is predicted to result in an in-frame deletion (p.Tyr130del). This variant is a recurrent variant that has been reported in the homozygous state or along with a second pathogenic MMACHC variant in multiple individuals with confirmed methylmalonic aciduria, cblC type (Lerner-Ellis et al. 2006. PubMed ID: 16311595; Gizicki et al. 2013. PubMed ID: 24126030; Bourque et al. 2020. PubMed ID: 33473346). This variant is reported in 0.0044% of alleles in individuals of European (Non-Finnish) descent in gnomAD. This variant is interpreted as pathogenic.

Fulgent Genetics
Classification: Pathogenic for Cobalamin C disease. Last evaluated: 2022-04-22. Review status: criteria provided, single submitter. Criteria: ACMG Guidelines, 2015. Collection method: clinical testing. Allele origin: unknown.

Women's Health and Genetics/Laboratory Corporation of America, LabCorp
Classification: Likely pathogenic for Cobalamin C disease. Last evaluated: 2021-12-23. Review status: criteria provided, single submitter. Criteria: LabCorp Variant Classification Summary - May 2015. Collection method: clinical testing. Allele origin: germline.
Comment: Variant summary: MMACHC c.388_390delTAC (p.Tyr130del) results in an in-frame deletion that is predicted to remove one amino acid from the encoded protein. The variant allele was found at a frequency of 2e-05 in 249426 control chromosomes. c.388_390delTAC has been reported in the literature as a homozygous and compound heterozygous genotype in multiple individuals affected with cobalamin C type Methylmalonic Acidemia With Homocystinuria (example, Bourque_2021, Lerner-Ellis_2006, Gizicki_2014). These data indicate that the variant is very likely to be associated with disease. To our knowledge, no experimental evidence demonstrating an impact on protein function has been reported. Two clinical diagnostic laboratories have submitted clinical-significance assessments for this variant to ClinVar after 2014 without evidence for independent evaluation. Both laboratories classified the variant as likely pathogenic. Based on the evidence outlined above, the variant was classified as likely pathogenic.

Revvity Omics, Revvity
Classification: Likely pathogenic for Cobalamin C disease. Last evaluated: 2021-09-23. Review status: criteria provided, single submitter. Criteria: ACMG Guidelines, 2015. Collection method: clinical testing. Allele origin: germline.

GeneDx
Classification: Pathogenic. Last evaluated: 2014-10-23. Review status: criteria provided, single submitter. Criteria: GeneDx Variant Classification (06012015). Collection method: clinical testing. Allele origin: germline. Affected: yes.
Comment: The c.388_390delTAC mutation has been reported previously in association with cblC deficiency (Lerner-Ellis, et al., 2006). This mutation causes the deletion of a Tyrosine codon at amino acid position 130, denoted p.Tyr130del. The variant is found in MMA-MET panel(s).

Literature cited by the submitters: PubMed 33473346 (cited by 3 submitters); PubMed 16311595 (cited by 4 submitters); PubMed 24126030 (cited by Labcorp Genetics (formerly Invitae), Labcorp and Women's Health and Genetics/Laboratory Corporation of America, LabCorp).

NM_015506.3(MMACHC):c.382TAC[2] (p.Tyr130del)

Gene: MMACHC (metabolism of cobalamin associated C; plus strand). Cytogenetic location: 1p34.1.
Variant type: Microsatellite.
Coding change: c.382TAC[2] on transcript NM_015506.3 (MANE Select); two copies in a row of the 3-base unit TAC starting at c.382; the reference has three copies in a row; one copy, 3 bases deleted; also written c.388_390del.
Protein change: p.Tyr130del; deletes tyrosine 130.
Molecular consequence: inframe deletion.
Genome position (GRCh38, 1-based): chr1:45,508,323-45,508,325, TAC deleted; deleting any 3 consecutive bases within chr1:45,508,317-45,508,325 gives the same sequence; the position shown is the placement nearest the transcript's 3' end. VCF-style (leftmost placement, unchanged base first): chr1-45508316-TTAC-T. GRCh37 (hg19) VCF-style: chr1-45973988-TTAC-T.
Other names: c.388_390del (NM_015506.3, NM_015506.2); c.211TAC[2], p.Tyr73del (NM_001330540.2); c.388_390delTAC (NM_015506.3); short protein forms Y130del, Y73del.
Identifiers: ClinVar variation 203833 (VCV000203833.22), dbSNP rs796051998, ClinGen allele CA312739.